The following is an entry in ClinVar:

NC_000013.10:g.(?_22246052)_(22246348_?)dup

Gene: FGF9 (fibroblast growth factor 9; plus strand). Cytogenetic location: 13q12.11.
Variant type: Duplication.
Identifiers: ClinVar variation 2424343 (VCV002424343.4).

ClinVar aggregate classification (germline): Uncertain significance (1 of 4 stars; one submission).

Submission:

Labcorp Genetics (formerly Invitae), Labcorp
Classification: Uncertain significance. Last evaluated: 2023-02-01. Review status: criteria provided, single submitter. Criteria: Invitae Variant Classification Sherloc (09022015). Collection method: clinical testing. Allele origin: germline.
Comment: In summary, the available evidence is currently insufficient to determine the role of this variant in disease. Therefore, it has been classified as a Variant of Uncertain Significance. Experimental studies and prediction algorithms are not available or were not evaluated, and the functional significance of this variant is currently unknown. This variant has not been reported in the literature in individuals affected with FGF9-related conditions. This variant results in a copy number gain of the genomic region encompassing exon(s) 1 of the FGF9 gene. This region includes the initiator codon of the gene. This copy number gain extends beyond the assayed region for this gene and therefore may encompass additional genes. As the precise location of this event is unknown, it may be in tandem or it may be located elsewhere in the genome.